The following is an entry in ClinVar:

NM_014003.4(DHX38):c.3477+1G>T

Gene: DHX38 (DEAH-box helicase 38; plus strand). Cytogenetic location: 16q22.2.
Variant type: single nucleotide variant.
Coding change: c.3477+1G>T on transcript NM_014003.4 (MANE Select); the canonical splice donor site of the intron after coding-DNA position 3477, G replaced by T.
Molecular consequence: splice donor variant.
Genome position (GRCh38, 1-based): chr16:72,109,511, G>T. VCF-style: chr16-72109511-G-T. GRCh37 (hg19) VCF-style: chr16-72143410-G-T.
Identifiers: ClinVar variation 1055264 (VCV001055264.7), dbSNP rs1229623264, ClinGen allele CA396717555.

ClinVar aggregate classification (germline): Uncertain significance (1 of 4 stars; one submission).

gnomAD v4.1: 1 of 1,611,092 alleles (0.000062%); highest among the groups gnomAD compares: Admixed American, 0.0017%; no homozygotes.

Submission:

Labcorp Genetics (formerly Invitae), Labcorp
Classification: Uncertain significance. Last evaluated: 2022-02-11. Review status: criteria provided, single submitter. Criteria: Invitae Variant Classification Sherloc (09022015). Collection method: clinical testing. Allele origin: germline.
Comment: This variant has not been reported in the literature in individuals affected with DHX38-related conditions. ClinVar contains an entry for this variant (Variation ID: 1055264). Algorithms developed to predict the effect of sequence changes on RNA splicing suggest that this variant may disrupt the consensus splice site. In summary, the available evidence is currently insufficient to determine the role of this variant in disease. Therefore, it has been classified as a Variant of Uncertain Significance. This sequence change affects a donor splice site in intron 25 of the DHX38 gene. It is expected to disrupt RNA splicing. Variants that disrupt the donor or acceptor splice site typically lead to a loss of protein function (PMID: 16199547), however the current clinical and genetic evidence is not sufficient to establish whether loss-of-function variants in DHX38 cause disease. This variant is not present in population databases (gnomAD no frequency).

Literature cited by the submitters: PubMed 16199547.